The following is an entry in ClinVar:

ClinVar aggregate classification (germline): Uncertain significance (1 of 4 stars; one submission).

Conditions:
Kabuki syndrome. Also called: NIIKAWA-KUROKI SYNDROME; Kabuki make-up syndrome. Identifiers: Orphanet 2322, MedGen C0796004, MONDO:0016512.

Allele frequency attached by ClinVar (database versions not stated): TOPMed 0.00001; gnomAD 0.00001; gnomAD exomes 0.00004.
gnomAD v4.1: 51 of 1,516,352 alleles (0.0034%); highest among the groups gnomAD compares: Non-Finnish European, 0.0044%; no homozygotes.

Submission:

Labcorp Genetics (formerly Invitae), Labcorp
Classification: Uncertain significance for Kabuki syndrome. Last evaluated: 2025-12-10. Review status: criteria provided, single submitter. Criteria: Invitae Variant Classification Sherloc (09022015). Collection method: clinical testing. Allele origin: germline.
Comment: This sequence change replaces proline, which is neutral and non-polar, with serine, which is neutral and polar, at codon 2176 of the KMT2D protein (p.Pro2176Ser). This variant is not present in population databases (gnomAD no frequency). This variant has not been reported in the literature in individuals affected with KMT2D-related conditions. ClinVar contains an entry for this variant (Variation ID: 2787528). Invitae Evidence Modeling of protein sequence and biophysical properties (such as structural, functional, and spatial information, amino acid conservation, physicochemical variation, residue mobility, and thermodynamic stability) indicates that this missense variant is not expected to disrupt KMT2D protein function with a negative predictive value of 95%. In summary, the available evidence is currently insufficient to determine the role of this variant in disease. Therefore, it has been classified as a Variant of Uncertain Significance.

NM_003482.4(KMT2D):c.6526C>T (p.Pro2176Ser)

Gene: KMT2D (lysine methyltransferase 2D; minus strand). Cytogenetic location: 12q13.12.
Variant type: single nucleotide variant.
Coding change: c.6526C>T on transcript NM_003482.4 (MANE Select); coding-DNA position 6526, C replaced by T.
Protein change: p.Pro2176Ser; replaces proline 2176 with serine.
Molecular consequence: missense variant.
Genome position (GRCh38, 1-based): chr12:49,041,244, G>A on the plus strand (C>T on the coding strand, the complement: KMT2D is on the minus strand). VCF-style: chr12-49041244-G-A. GRCh37 (hg19) VCF-style: chr12-49435027-G-A.
Other names: short protein forms P2176S.
Identifiers: ClinVar variation 2787528 (VCV002787528.3), dbSNP rs1305707259, ClinGen allele CA384750560.
Genomic context (GRCh38, chr12:49,041,244, plus strand): 5'-AGGTGGGCGGTGCCGTGGGGAAGCGGGGCTCCAGGGGATAGGCAGGGGCCAGTCCAAAGG[G>A]GTCCTGCGAAGGCACTTGGGCGGGCACCTGGGGTGGGAGCTTGAGGAAGAGCTCACCAGG-3'
Protein context (NP_003473.3, residues 2166-2186): QVPAQVPSQD[Pro2176Ser]FGLAPAYPLE